The following is an entry in ClinVar:

ClinVar aggregate classification (germline): Likely benign. Review status: criteria provided, multiple submitters, no conflicts (2 of 4 stars). 4 submissions from 4 submitters: Likely benign (3). 1 of the submissions does not count toward it. Last evaluated 2024-11-25.

Conditions:
AUTS2-related disorder. Also called: AUTS2-related condition.

Allele frequency attached by ClinVar (database versions not stated): TOPMed 0.00002; gnomAD 0.00003; ESP Exome Variant Server 0.00008.
gnomAD v4.1: 28 of 1,613,812 alleles (0.0017%); highest among the groups gnomAD compares: African/African-American, 0.019%; no homozygotes.

Submissions (4):

Labcorp Genetics (formerly Invitae), Labcorp
Classification: Likely benign. Last evaluated: 2024-11-25. Review status: criteria provided, single submitter. Criteria: Invitae Variant Classification Sherloc (09022015). Collection method: clinical testing. Allele origin: germline.

CeGaT Center for Human Genetics Tuebingen
Classification: Likely benign. Last evaluated: 2023-06-01. Review status: criteria provided, single submitter. Criteria: CeGaT Center For Human Genetics Tuebingen Variant Classification Criteria Version 2. Collection method: clinical testing. Allele origin: germline. Affected: yes. Observed: 1 variant allele.
Comment: AUTS2: BP4, BP7

Blueprint Genetics
Classification: Likely benign. Last evaluated: 2023-04-26. Review status: criteria provided, single submitter. Criteria: ACMG Guidelines, 2015. Collection method: clinical testing. Allele origin: germline.

PreventionGenetics, part of Exact Sciences
Classification: Likely benign for AUTS2-related condition. Last evaluated: 2024-08-14. Review status: no assertion criteria provided. Collection method: clinical testing. Allele origin: germline. Not counted in ClinVar's aggregate classification.
Comment: This variant is classified as likely benign based on ACMG/AMP sequence variant interpretation guidelines (Richards et al. 2015 PMID: 25741868, with internal and published modifications).

NM_015570.4(AUTS2):c.3168G>A (p.Pro1056=)

Gene: AUTS2 (activator of transcription and developmental regulator AUTS2; plus strand). Cytogenetic location: 7q11.22.
Variant type: single nucleotide variant.
Coding change: c.3168G>A on transcript NM_015570.4 (MANE Select); coding-DNA position 3168, G replaced by A.
Protein change: p.Pro1056=; no amino-acid change (proline 1056 retained).
Molecular consequence: synonymous variant.
Genome position (GRCh38, 1-based): chr7:70,790,384, G>A. VCF-style: chr7-70790384-G-A. GRCh37 (hg19) VCF-style: chr7-70255370-G-A.
Other names: c.3168G>A (NM_015570.3); c.3096G>A, p.Pro1032= (NM_001127231.3).
Identifiers: ClinVar variation 2657538 (VCV002657538.28), dbSNP rs376279603, ClinGen allele CA160016716.